The following is an entry in ClinVar:

NM_147127.5(EVC2):c.1146-241A>T

Gene: EVC2 (EvC ciliary complex subunit 2; minus strand). Cytogenetic location: 4p16.2.
Variant type: single nucleotide variant.
Coding change: c.1146-241A>T on transcript NM_147127.5 (MANE Select); 241 bases into the intron before coding-DNA position 1146, A replaced by T.
Molecular consequence: intron variant.
Genome position (GRCh38, 1-based): chr4:5,641,079, T>A on the plus strand (A>T on the coding strand, the complement: EVC2 is on the minus strand). VCF-style: chr4-5641079-T-A. GRCh37 (hg19) VCF-style: chr4-5642806-T-A.
Other names: c.906-241A>T (NM_001166136.2).
Identifiers: ClinVar variation 672725 (VCV000672725.1), dbSNP rs114025234, ClinGen allele CA91718145.

ClinVar aggregate classification (germline): Benign (1 of 4 stars; one submission).

Allele frequency attached by ClinVar (database versions not stated): 1000 Genomes Project 30x 0.00890; 1000 Genomes Project 0.00938; TOPMed 0.01157.
gnomAD v4.1: 2,940 of 152,296 alleles (1.9%); highest among the groups gnomAD compares: Non-Finnish European, 1.9%; 75 homozygotes.

Submission:

GeneDx
Classification: Benign. Last evaluated: 2018-06-14. Review status: criteria provided, single submitter. Criteria: GeneDx Variant Classification (06012015). Collection method: clinical testing. Allele origin: germline. Affected: yes.
Comment: This variant is considered likely benign or benign based on one or more of the following criteria: it is a conservative change, it occurs at a poorly conserved position in the protein, it is predicted to be benign by multiple in silico algorithms, and/or has population frequency not consistent with disease.